The following is an entry in ClinVar:

ClinVar aggregate classification (germline): Uncertain significance (1 of 4 stars; one submission).

gnomAD v4.1: 7 of 1,613,556 alleles (0.00043%); highest among the groups gnomAD compares: Non-Finnish European, 0.00059%; no homozygotes.

Submission:

Labcorp Genetics (formerly Invitae), Labcorp
Classification: Uncertain significance. Last evaluated: 2024-12-11. Review status: criteria provided, single submitter. Criteria: Invitae Variant Classification Sherloc (09022015). Collection method: clinical testing. Allele origin: germline.
Comment: This sequence change creates a premature translational stop signal (p.Glu210*) in the CLUAP1 gene. It is expected to result in an absent or disrupted protein product. However, the current clinical and genetic evidence is not sufficient to establish whether loss-of-function variants in CLUAP1 cause disease. This variant is present in population databases (rs374477662, gnomAD 0.002%). This variant has not been reported in the literature in individuals affected with CLUAP1-related conditions. Experimental studies and prediction algorithms are not available or were not evaluated, and the functional significance of this variant is currently unknown. Algorithms developed to predict the effect of sequence changes on RNA splicing suggest that this variant may disrupt the consensus splice site. In summary, the available evidence is currently insufficient to determine the role of this variant in disease. Therefore, it has been classified as a Variant of Uncertain Significance.

NM_015041.3(CLUAP1):c.628G>T (p.Glu210Ter)

Gene: CLUAP1 (clusterin associated protein 1; plus strand). Cytogenetic location: 16p13.3.
Variant type: single nucleotide variant.
Coding change: c.628G>T on transcript NM_015041.3 (MANE Select); coding-DNA position 628, G replaced by T.
Protein change: p.Glu210Ter; replaces glutamic acid 210 with a stop codon.
Molecular consequence: nonsense.
Genome position (GRCh38, 1-based): chr16:3,519,951, G>T. VCF-style: chr16-3519951-G-T. GRCh37 (hg19) VCF-style: chr16-3569951-G-T.
Other names: c.628G>T, p.Glu210Ter (NM_001330454.2); c.130G>T, p.Glu44Ter (NM_024793.3); short protein forms E44*, E210*.
Identifiers: ClinVar variation 3687240 (VCV003687240.2).